The following is an entry in ClinVar:

ClinVar aggregate classification (germline): Benign/Likely benign. Review status: criteria provided, multiple submitters, no conflicts (2 of 4 stars). 3 submissions from 3 submitters: Benign (1); Likely benign (1). 1 of the submissions does not count toward it. Last evaluated 2025-12-26.

Conditions:
IRF9-related disorder. Also called: IRF9-related condition.

Allele frequency attached by ClinVar (database versions not stated): gnomAD exomes 0.00007 and 0.00016; ExAC 0.00016; 1000 Genomes Project 0.00040; ESP Exome Variant Server 0.00046; 1000 Genomes Project 30x 0.00047; gnomAD 0.00075 and 0.00083; TOPMed 0.00102.

Submissions (5):

Labcorp Genetics (formerly Invitae), Labcorp
Classification: Benign. Last evaluated: 2025-12-26. Review status: criteria provided, single submitter. Criteria: Invitae Variant Classification Sherloc (09022015). Collection method: clinical testing. Allele origin: germline.

Blueprint Genetics
Classification: Likely benign. Last evaluated: 2022-07-13. Review status: criteria provided, single submitter. Criteria: ACMG Guidelines, 2015. Collection method: clinical testing. Allele origin: germline.

PreventionGenetics, part of Exact Sciences
Classification: Likely benign for IRF9-related condition. Last evaluated: 2022-12-20. Review status: no assertion criteria provided. Collection method: clinical testing. Allele origin: germline. Not counted in ClinVar's aggregate classification.
Comment: This variant is classified as likely benign based on ACMG/AMP sequence variant interpretation guidelines (Richards et al. 2015 PMID: 25741868, with internal and published modifications).

Dr. Peter K. Rogan Lab, Western University
No classification provided (evidence only). Condition: Sarcoma. Review status: no classification provided. Collection method: in vitro. Allele origin: not applicable. Functional consequence: skipped exon. Not counted in ClinVar's aggregate classification.

Dr. Peter K. Rogan Lab, Western University
No classification provided (evidence only). Condition: Hepatocellular carcinoma. Review status: no classification provided. Collection method: in vitro. Allele origin: not applicable. Functional consequence: retained intron. Not counted in ClinVar's aggregate classification.

NM_006084.5(IRF9):c.696C>T (p.Gly232=)

Gene: IRF9 (interferon regulatory factor 9; plus strand). Cytogenetic location: 14q12.
Variant type: single nucleotide variant.
Coding change: c.696C>T on transcript NM_006084.5 (MANE Select); coding-DNA position 696, C replaced by T.
Protein change: p.Gly232=; no amino-acid change (glycine 232 retained).
Molecular consequence: synonymous variant. On other transcripts: intron variant (1).
Genome position (GRCh38, 1-based): chr14:24,164,660, C>T. VCF-style: chr14-24164660-C-T. GRCh37 (hg19) VCF-style: chr14-24633869-C-T.
Other names: c.696C>T (NM_006084.4); c.723C>T, p.Gly241= (NM_001385400.1, NM_001385401.1); c.650-217C>T (NM_001385402.1).
Identifiers: ClinVar variation 1574603 (VCV001574603.12), dbSNP rs142971646, ClinGen allele CA7126546.
Genomic context (GRCh38, chr14:24,164,660, plus strand): 5'-TGTTCTATCCCCAGACTACTCACTGCTGCTCACCTTCATCTACAACGGGCGCGTGGTGGG[C>T]GAGGCCCAGGTGCAAAGCCTGGATTGCCGCCTTGTGGCTGAGCCCTCAGGCTCTGAGAGC-3'
Protein context (NP_006075.3, residues 222-242): LTFIYNGRVV[Gly232=]EAQVQSLDCR